The following is an entry in ClinVar:

ClinVar aggregate classification (germline): Likely benign (1 of 4 stars; one submission).

Conditions:
IFT172-related disorder. Also called: IFT172-related disorders; IFT172-related condition.

Submission:

PreventionGenetics, part of Exact Sciences
Classification: Likely benign for IFT172-related condition. Last evaluated: 2026-06-25. Review status: criteria provided, single submitter. Criteria: ACMG Guidelines, 2015. Collection method: clinical testing. Allele origin: germline.
Comment: This variant is classified as likely benign based on ACMG/AMP sequence variant interpretation guidelines (Richards et al. 2015 PMID: 25741868, with internal and published modifications).

NM_015662.3(IFT172):c.2499T>C (p.Arg833=)

Gene: IFT172 (intraflagellar transport 172; minus strand). Cytogenetic location: 2p23.3.
Variant type: single nucleotide variant.
Coding change: c.2499T>C on transcript NM_015662.3 (MANE Select); coding-DNA position 2499, T replaced by C.
Protein change: p.Arg833=; no amino-acid change (arginine 833 retained).
Molecular consequence: synonymous variant.
Genome position (GRCh38, 1-based): chr2:27,461,037, A>G on the plus strand (T>C on the coding strand, the complement: IFT172 is on the minus strand). VCF-style: chr2-27461037-A-G. GRCh37 (hg19) VCF-style: chr2-27683904-A-G.
Other names: c.2433T>C, p.Arg811= (NM_001410739.1).
Identifiers: ClinVar variation 4996690 (VCV004996690.1).
Genomic context (GRCh38, chr2:27,461,037, plus strand): 5'-TCCACAACAGTAAAGGATGGCTTATAGGTGGCTAGTACCTTTCATGAATGCGTTGCCTTT[A>G]CGGTAGCACTCCAGGGCCTTCTGTGGATTGTGAATCTTCTCAAAGAGATCACCTGCCTGT-3'
Protein context (NP_056477.1, residues 823-843): HNPQKALECY[Arg833=]KGNAFMKAVE